The following is an entry in ClinVar:

NM_004519.4(KCNQ3):c.1968G>C (p.Glu656Asp)

Gene: KCNQ3 (potassium voltage-gated channel subfamily Q member 3; minus strand). Cytogenetic location: 8q24.22.
Variant type: single nucleotide variant.
Coding change: c.1968G>C on transcript NM_004519.4 (MANE Select); coding-DNA position 1968, G replaced by C.
Protein change: p.Glu656Asp; replaces glutamic acid 656 with aspartic acid.
Molecular consequence: missense variant.
Genome position (GRCh38, 1-based): chr8:132,129,913, C>G on the plus strand (G>C on the coding strand, the complement: KCNQ3 is on the minus strand). VCF-style: chr8-132129913-C-G. GRCh37 (hg19) VCF-style: chr8-133142160-C-G.
Other names: c.1608G>C, p.Glu536Asp (NM_001204824.2); short protein forms E536D, E656D.
Identifiers: ClinVar variation 3374970 (VCV003374970.1).
Genomic context (GRCh38, chr8:132,129,913, plus strand): 5'-CCTGTTGTCCTCCTTCTTCTCTGCTTCAGCTGGCGAGGAGGTGCCCTTGGTTGGGTAATA[C>G]TCCGTGACCTGCACCTGCAACCGTTCCATGTGTTGCATGTGCATATCCACGAGGAAGTCC-3'
Protein context (NP_004510.1, residues 646-666): HMERLQVQVT[Glu656Asp]YYPTKGTSSP

ClinVar aggregate classification (germline): Uncertain significance (1 of 4 stars; one submission).

gnomAD v4.1: 1 of 1,614,170 alleles (0.000062%); highest among the groups gnomAD compares: Non-Finnish European, 0.000085%; no homozygotes.

Submission:

Women's Health and Genetics/Laboratory Corporation of America, LabCorp
Classification: Uncertain significance. Last evaluated: 2024-09-09. Review status: criteria provided, single submitter. Criteria: LabCorp Variant Classification Summary - May 2015. Collection method: clinical testing. Allele origin: germline.
Comment: Variant summary: KCNQ3 c.1968G>C (p.Glu656Asp) results in a conservative amino acid change in the encoded protein sequence. Four of five in-silico tools predict a benign effect of the variant on protein function. The variant was absent in 251482 control chromosomes. The available data on variant occurrences in the general population are insufficient to allow any conclusion about variant significance. To our knowledge, no occurrence of c.1968G>C in individuals affected with Benign Familial Neonatal Seizures 2 and no experimental evidence demonstrating its impact on protein function have been reported. No submitters have cited clinical-significance assessments for this variant to ClinVar. Based on the evidence outlined above, the variant was classified as uncertain significance.